The following is an entry in ClinVar:

ClinVar aggregate classification (germline): Uncertain significance (1 of 4 stars; one submission).

Conditions:
Hereditary cancer-predisposing syndrome. Also called: Tumor predisposition; Hereditary neoplastic syndrome; Hereditary Cancer Syndrome; Neoplastic Syndromes, Hereditary. Identifiers: Orphanet 140162, MedGen C0027672, MeSH D009386, MONDO:0015356.

Submission:

Ambry Genetics
Classification: Uncertain significance for Hereditary cancer-predisposing syndrome. Last evaluated: 2025-05-08. Review status: criteria provided, single submitter. Criteria: Ambry Variant Classification Scheme 2023. Collection method: clinical testing. Allele origin: germline.
Comment: The c.16_36del21 variant (also known as p.R6_G12del) is located in coding exon 1 of the POLD1 gene. This variant results from an in-frame CGGCCAGGCCCAGGGCCCGGG deletion at nucleotide positions 16 to 36. This results in the in-frame deletion of RPGPGPG residues at codons 6 to 12. This amino acid region is not well conserved in available vertebrate species. In addition, this variant is predicted to be deleterious by in silico analysis (Choi Y et al. PLoS ONE. 2012; 7(10):e46688). Based on the available evidence, the clinical significance of this variant remains unclear.

NM_002691.4(POLD1):c.16_36del (p.Arg6_Gly12del)

Gene: POLD1 (DNA polymerase delta 1, catalytic subunit; plus strand). Cytogenetic location: 19q13.33.
Variant type: Deletion.
Coding change: c.16_36del on transcript NM_002691.4 (MANE Select); coding-DNA positions 16 to 36, 21 bases deleted (CGGCCAGGCCCAGGGCCCGGG).
Protein change: p.Arg6_Gly12del.
Molecular consequence: non-coding transcript variant (on NR_046402.2).
Genome position (GRCh38, 1-based): chr19:50,398,867-50,398,887, CGGCCAGGCCCAGGGCCCGGG deleted; deleting any 21 consecutive bases within chr19:50,398,865-50,398,887 gives the same sequence; the c. name uses the placement nearest the transcript's 3' end. VCF-style (leftmost placement, unchanged base first): chr19-50398864-CGGCGGCCAGGCCCAGGGCCCG-C. GRCh37 (hg19) VCF-style: chr19-50902121-CGGCGGCCAGGCCCAGGGCCCG-C.
Other names: c.16_36del, p.Arg6_Gly12del (NM_001256849.1, NM_001308632.1).
Identifiers: ClinVar variation 3935553 (VCV003935553.1).
Genomic context (GRCh38, chr19:50,398,864, plus strand): 5'-AGGTGTCTCCGGTCAGAACCTCCACCAAGCTCCAACTTGCCCAGCAGGATGGATGGCAAG[CGGCGGCCAGGCCCAGGGCCCG>C]GGGTGCCCCCAAAGCGGGCCCGTGGGGGCCTCTGGGATGATGATGATGCACCTCGGCCAT-3'